The following is an entry in ClinVar:

ClinVar aggregate classification (germline): Uncertain significance. Review status: criteria provided, multiple submitters, no conflicts (2 of 4 stars). 4 submissions from 3 submitters: Uncertain significance (4). Last evaluated 2025-06-23.

Conditions:
Inborn genetic diseases. Identifiers: MedGen C0950123, MeSH D030342.
Isolated congenital digital clubbing. Also called: ACROPACHY, HEREDITARY; CLUBBING OF DIGITS. Identifiers: Orphanet 217059, MedGen C0345408, MONDO:0007343, OMIM 119900.
Hypertrophic osteoarthropathy, primary, autosomal recessive, 1 (PHOAR1). Also called: PHO, AUTOSOMAL RECESSIVE. Identifiers: Orphanet 1525, Orphanet 2796, MedGen C4551679, MONDO:0024546, OMIM 259100.

Allele frequency attached by ClinVar (database versions not stated): gnomAD exomes 0.00002 and 0.00011; gnomAD 0.00005 and 0.00006; TOPMed 0.00005; ExAC 0.00010; 1000 Genomes Project 30x 0.00016; 1000 Genomes Project 0.00020.

Submissions (4):

Labcorp Genetics (formerly Invitae), Labcorp
Classification: Uncertain significance. Last evaluated: 2025-06-23. Review status: criteria provided, single submitter. Criteria: Invitae Variant Classification Sherloc (09022015). Collection method: clinical testing. Allele origin: germline.
Comment: This sequence change replaces leucine, which is neutral and non-polar, with phenylalanine, which is neutral and non-polar, at codon 167 of the HPGD protein (p.Leu167Phe). This variant is present in population databases (rs202175053, gnomAD 0.1%). This variant has not been reported in the literature in individuals affected with HPGD-related conditions. ClinVar contains an entry for this variant (Variation ID: 901640). An algorithm developed to predict the effect of missense changes on protein structure and function (PolyPhen-2) suggests that this variant is likely to be tolerated. In summary, the available evidence is currently insufficient to determine the role of this variant in disease. Therefore, it has been classified as a Variant of Uncertain Significance.

Ambry Genetics
Classification: Uncertain significance for Inborn genetic diseases. Last evaluated: 2023-03-21. Review status: criteria provided, single submitter. Criteria: Ambry Variant Classification Scheme 2023. Collection method: clinical testing. Allele origin: germline.

Illumina Laboratory Services, Illumina
Classification: Uncertain significance for Hypertrophic osteoarthropathy, primary, autosomal recessive, 1. Last evaluated: 2018-01-13. Review status: criteria provided, single submitter. Criteria: ICSL Variant Classification Criteria 13 December 2019. Collection method: clinical testing. Allele origin: germline.

Illumina Laboratory Services, Illumina
Classification: Uncertain significance for Isolated congenital digital clubbing. Last evaluated: 2018-01-13. Review status: criteria provided, single submitter. Criteria: ICSL Variant Classification Criteria 13 December 2019. Collection method: clinical testing. Allele origin: germline.

NM_000860.6(HPGD):c.501G>T (p.Leu167Phe)

Gene: HPGD (15-hydroxyprostaglandin dehydrogenase; minus strand). Cytogenetic location: 4q34.1.
Variant type: single nucleotide variant.
Coding change: c.501G>T on transcript NM_000860.6 (MANE Select); coding-DNA position 501, G replaced by T.
Protein change: p.Leu167Phe; replaces leucine 167 with phenylalanine.
Molecular consequence: missense variant. On other transcripts: intron variant (2).
Genome position (GRCh38, 1-based): chr4:174,493,312, C>A on the plus strand (G>T on the coding strand, the complement: HPGD is on the minus strand). VCF-style: chr4-174493312-C-A. GRCh37 (hg19) VCF-style: chr4-175414463-C-A.
Other names: c.501G>T (NM_000860.4); c.138G>T, p.Leu46Phe (NM_001256301.1, NM_001256307.2); c.297G>T, p.Leu99Phe (NM_001256306.2); c.422-1218G>T (NM_001256305.2); c.499-1218G>T (NM_001145816.3); short protein forms L167F, L46F, L99F.
Identifiers: ClinVar variation 901640 (VCV000901640.15), dbSNP rs202175053, ClinGen allele CA3142230.
Genomic context (GRCh38, chr4:174,493,312, plus strand): 5'-GTTAACAAAGCCTGGACAAATGGCATTCAGTCTCACACCACTGTTCATAAGATTAGCAGC[C>A]AACTGCCAATTAGAAGGTTGTAGGTTTCAGCAGTTTCATAAACATATAGCACAGGACAAA-3'
Protein context (NP_000851.2, residues 157-177): GIVGFTRSAA[Leu167Phe]AANLMNSGVR